The following is an entry in ClinVar:

NM_000824.5(GLRB):c.1380C>T (p.Pro460=)

Gene: GLRB (glycine receptor beta; plus strand). Cytogenetic location: 4q32.1.
Variant type: single nucleotide variant.
Coding change: c.1380C>T on transcript NM_000824.5 (MANE Select); coding-DNA position 1380, C replaced by T.
Protein change: p.Pro460=; no amino-acid change (proline 460 retained).
Molecular consequence: synonymous variant. On other transcripts: 3 prime UTR variant (1).
Genome position (GRCh38, 1-based): chr4:157,170,614, C>T. VCF-style: chr4-157170614-C-T. GRCh37 (hg19) VCF-style: chr4-158091766-C-T.
Other names: c.1380C>T, p.Pro460= (NM_001166060.2); c.*175C>T (NM_001166061.2).
Identifiers: ClinVar variation 749261 (VCV000749261.36), dbSNP rs548604111, ClinGen allele CA3120008.
Genomic context (GRCh38, chr4:157,170,614, plus strand): 5'-ACCCATTGAAGTTAACAACGGACTTGGGAAATCTCAGGCTAAGAACAACAAGAAGCCTCC[C>T]CCTGCGAAACCTGTTATTCCAACAGCAGCAAAGCGAATTGATCTTTATGCAAGAGCATTG-3'
Protein context (NP_000815.1, residues 450-470): KSQAKNNKKP[Pro460=]PAKPVIPTAA

ClinVar aggregate classification (germline): Benign/Likely benign. Review status: criteria provided, multiple submitters, no conflicts (2 of 4 stars). 3 submissions from 3 submitters: Benign (1); Likely benign (2). Last evaluated 2025-10-01.

Conditions:
Hyperekplexia 2 (HKPX2). Identifiers: Orphanet 3197, MedGen C3553291, MONDO:0013828, OMIM 614619.

Allele frequency attached by ClinVar (database versions not stated): gnomAD 0.00001 and 0.00007; TOPMed 0.00002; gnomAD exomes 0.00017 and 0.00030; ExAC 0.00036; 1000 Genomes Project 30x 0.00062; 1000 Genomes Project 0.00080.
gnomAD v4.1: 254 of 1,612,556 alleles (0.016%); highest among the groups gnomAD compares: South Asian, 0.26%; 6 homozygotes.

Submissions (3):

Labcorp Genetics (formerly Invitae), Labcorp
Classification: Benign for Hyperekplexia 2. Last evaluated: 2025-10-01. Review status: criteria provided, single submitter. Criteria: Invitae Variant Classification Sherloc (09022015). Collection method: clinical testing. Allele origin: germline.

Blueprint Genetics
Classification: Likely benign. Last evaluated: 2024-08-01. Review status: criteria provided, single submitter. Criteria: ACMG Guidelines, 2015. Collection method: clinical testing. Allele origin: germline.

CeGaT Center for Human Genetics Tuebingen
Classification: Likely benign. Last evaluated: 2023-09-01. Review status: criteria provided, single submitter. Criteria: CeGaT Center For Human Genetics Tuebingen Variant Classification Criteria Version 2. Collection method: clinical testing. Allele origin: germline. Affected: yes. Observed: 1 variant allele.
Comment: GLRB: BP4, BP7